The following is an entry in ClinVar:

NM_003001.5(SDHC):c.*27C>G

Gene: SDHC (succinate dehydrogenase complex subunit C; plus strand). Cytogenetic location: 1q23.3.
Variant type: single nucleotide variant.
Coding change: c.*27C>G on transcript NM_003001.5 (MANE Select); 27 bases downstream of the stop codon, C replaced by G.
Molecular consequence: 3 prime UTR variant. On other transcripts: missense variant (3), non-coding transcript variant (1).
Genome position (GRCh38, 1-based): chr1:161,362,460, C>G. VCF-style: chr1-161362460-C-G. GRCh37 (hg19) VCF-style: chr1-161332250-C-G.
Other names: c.373C>G, p.Pro125Ala (NM_001035511.3); c.*27C>G (NM_001035512.3, NM_001035513.3, NM_001407115.1 and 5 more transcripts); c.271C>G, p.Pro91Ala (NM_001278172.3); c.316C>G, p.Pro106Ala (NM_001407121.1); short protein forms P125A, P106A, P91A.
Identifiers: ClinVar variation 5029344 (VCV005029344.1).

ClinVar aggregate classification (germline): Uncertain significance (1 of 4 stars; one submission).

Conditions:
Hereditary cancer-predisposing syndrome. Also called: Neoplastic Syndromes, Hereditary; Tumor predisposition; Hereditary neoplastic syndrome; Hereditary Cancer Syndrome. Identifiers: Orphanet 140162, MedGen C0027672, MeSH D009386, MONDO:0015356.

Submission:

Ambry Genetics
Classification: Uncertain significance for Hereditary cancer-predisposing syndrome. Last evaluated: 2026-07-06. Review status: criteria provided, single submitter. Criteria: Ambry Variant Classification Scheme 2023. Collection method: clinical testing. Allele origin: germline.
Comment: The p.P125A variant (also known as c.373C>G), located in coding exon 5 of the SDHC gene, results from a C to G substitution at nucleotide position 373. The proline at codon 125 is replaced by alanine, an amino acid with highly similar properties. This amino acid position is conserved. In addition, the in silico prediction for this alteration is inconclusive. Based on the available evidence, the clinical significance of this variant remains unclear.